The following is an entry in ClinVar:

ClinVar aggregate classification (germline): Benign (1 of 4 stars; one submission).

Conditions:
Melanoma-pancreatic cancer syndrome. Identifiers: Orphanet 404560, MedGen C1838547, MONDO:0011713, OMIM 606719. Disease mechanism: loss of function.

gnomAD v4.1: 13 of 1,582,638 alleles (0.00082%); highest among the groups gnomAD compares: Non-Finnish European, 0.00095%; no homozygotes.

Submission:

Myriad Genetics, Inc.
Classification: Benign for Melanoma-pancreatic cancer syndrome. Last evaluated: 2025-08-18. Review status: criteria provided, single submitter. Criteria: Myriad Autosomal Dominant, Autosomal Recessive and X-Linked Classification Criteria (2023). Collection method: clinical testing. Allele origin: unknown.
Comment: This variant is considered benign. This variant is intronic and is not expected to impact mRNA splicing.

NM_000077.5(CDKN2A):c.458-64C>T

Gene: CDKN2A (cyclin dependent kinase inhibitor 2A; minus strand). Cytogenetic location: 9p21.3.
Variant type: single nucleotide variant.
Coding change: c.458-64C>T on transcript NM_000077.5 (MANE Select); 64 bases into the intron before coding-DNA position 458, C replaced by T.
Molecular consequence: intron variant.
Genome position (GRCh38, 1-based): chr9:21,968,306, G>A on the plus strand (C>T on the coding strand, the complement: CDKN2A is on the minus strand). VCF-style: chr9-21968306-G-A. GRCh37 (hg19) VCF-style: chr9-21968305-G-A.
Other names: c.305-64C>T (NM_001363763.2); c.*102-64C>T (NM_058195.4); c.*151-64C>T (NM_001195132.2); c.*381-64C>T (NM_058197.5).
Identifiers: ClinVar variation 4294294 (VCV004294294.1).
Genomic context (GRCh38, chr9:21,968,306, plus strand): 5'-CAGAGGGCAGAAAGAAAACAGGCGTTAGAAACCTGAGGTCAAAGATGTGTGGCACATCCC[G>A]CCCTCCTCTCTTGCCGTCCCTACCGGCATTGAAATACTTATGGATAAAGTTCTCGCAATG-3'